The following is an entry in ClinVar:

NM_006186.4(NR4A2):c.610C>A (p.Pro204Thr)

Gene: NR4A2 (nuclear receptor subfamily 4 group A member 2; minus strand). Cytogenetic location: 2q24.1.
Variant type: single nucleotide variant.
Coding change: c.610C>A on transcript NM_006186.4 (MANE Select); coding-DNA position 610, C replaced by A.
Protein change: p.Pro204Thr; replaces proline 204 with threonine.
Molecular consequence: missense variant.
Genome position (GRCh38, 1-based): chr2:156,329,577, G>T on the plus strand (C>A on the coding strand, the complement: NR4A2 is on the minus strand). VCF-style: chr2-156329577-G-T. GRCh37 (hg19) VCF-style: chr2-157186089-G-T.
Other names: c.421C>A, p.Pro141Thr (NM_173173.3); short protein forms P141T, P204T.
Identifiers: ClinVar variation 3300970 (VCV003300970.11).

ClinVar aggregate classification (germline): Likely benign. Review status: criteria provided, multiple submitters, no conflicts (2 of 4 stars). 2 submissions from 2 submitters: Likely benign (2). Last evaluated 2026-04-01.

Conditions:
Inborn genetic diseases. Identifiers: MedGen C0950123, MeSH D030342.

Submissions (2):

CeGaT Center for Human Genetics Tuebingen
Classification: Likely benign. Last evaluated: 2026-04-01. Review status: criteria provided, single submitter. Criteria: CeGaT Center For Human Genetics Tuebingen Variant Classification Criteria Version 2. Collection method: clinical testing. Allele origin: germline. Affected: yes. Observed: 2 variant alleles.
Comment: NR4A2: BS2

Ambry Genetics
Classification: Likely benign for Inborn genetic diseases. Last evaluated: 2024-05-15. Review status: criteria provided, single submitter. Criteria: Ambry Variant Classification Scheme 2023. Collection method: clinical testing. Allele origin: germline.